The following is an entry in ClinVar:

NM_013275.6(ANKRD11):c.5184C>G (p.Ser1728Arg)

Gene: ANKRD11 (ankyrin repeat domain containing 11; minus strand). Cytogenetic location: 16q24.3.
Variant type: single nucleotide variant.
Coding change: c.5184C>G on transcript NM_013275.6 (MANE Select); coding-DNA position 5184, C replaced by G.
Protein change: p.Ser1728Arg; replaces serine 1728 with arginine.
Molecular consequence: missense variant.
Genome position (GRCh38, 1-based): chr16:89,281,358, G>C on the plus strand (C>G on the coding strand, the complement: ANKRD11 is on the minus strand). VCF-style: chr16-89281358-G-C. GRCh37 (hg19) VCF-style: chr16-89347766-G-C.
Other names: c.5184C>G, p.Ser1728Arg (NM_001256182.2, NM_001256183.2); c.5184C>G (NM_013275.5); short protein forms S1728R.
Identifiers: ClinVar variation 1745874 (VCV001745874.6), dbSNP rs759118611, ClinGen allele CA286514671.

ClinVar aggregate classification (germline): Uncertain significance. Review status: criteria provided, multiple submitters, no conflicts (2 of 4 stars). 2 submissions from 2 submitters: Uncertain significance (2). Last evaluated 2025-08-27.

Conditions:
Inborn genetic diseases. Identifiers: MedGen C0950123, MeSH D030342.

gnomAD v4.1: 3 of 1,610,604 alleles (0.00019%); highest among the groups gnomAD compares: African/African-American, 0.004%; no homozygotes.

Submissions (2):

Ambry Genetics
Classification: Uncertain significance for Inborn genetic diseases. Last evaluated: 2025-08-27. Review status: criteria provided, single submitter. Criteria: Ambry Variant Classification Scheme 2023. Collection method: clinical testing. Allele origin: germline.

GeneDx
Classification: Uncertain significance. Last evaluated: 2023-02-01. Review status: criteria provided, single submitter. Criteria: GeneDx Variant Classification Process June 2021. Collection method: clinical testing. Allele origin: germline. Affected: yes.
Comment: Not observed at significant frequency in large population cohorts (gnomAD); In silico analysis supports that this missense variant does not alter protein structure/function; Has not been previously published as pathogenic or benign to our knowledge